The following is an entry in ClinVar:

ClinVar aggregate classification (germline): Uncertain significance (0 of 4 stars; one submission).

Conditions:
ANKRD13D-related condition.

Submission:

PreventionGenetics, part of Exact Sciences
Classification: Uncertain significance for ANKRD13D-related condition. Last evaluated: 2024-08-28. Review status: no assertion criteria provided. Collection method: clinical testing. Allele origin: germline.
Comment: The ANKRD13D c.1300_1301delCT variant is predicted to result in a frameshift and premature protein termination (p.Leu434Glufs*29). To our knowledge, this variant has not been reported in the literature or in a large population database, indicating this variant is rare. At this time, the clinical significance of this variant is uncertain due to the absence of conclusive functional and genetic evidence.

NM_207354.3(ANKRD13D):c.1300_1301del (p.Leu434fs)

Gene: ANKRD13D (ankyrin repeat domain 13D; plus strand). Cytogenetic location: 11q13.2.
Variant type: Deletion.
Coding change: c.1300_1301del on transcript NM_207354.3 (MANE Select); coding-DNA positions 1300 to 1301, 2 bases deleted (CT; older notation c.1300_1301delCT).
Protein change: p.Leu434fs; shifts the reading frame from leucine 434.
Molecular consequence: frameshift variant.
Genome position (GRCh38, 1-based): chr11:67,301,350-67,301,351, CT deleted. VCF-style (leftmost placement, unchanged base first): chr11-67301349-CCT-C. GRCh37 (hg19) VCF-style: chr11-67068820-CCT-C.
Other names: c.1039_1040del, p.Leu347fs (NM_001347901.2); short protein forms L347fs, L434fs.
Identifiers: ClinVar variation 3355561 (VCV003355561.1).